The following is an entry in ClinVar:

NC_000008.10:g.(?_16850399)_(20112692_?)dup

Genes: ASAH1-AS1 (ASAH1 antisense RNA 1; plus strand), ATP6V1B2 (ATPase H+ transporting V1 subunit B2; plus strand), CNOT7 (CCR4-NOT transcription complex subunit 7; minus strand), CSGALNACT1 (chondroitin sulfate N-acetylgalactosaminyltransferase 1; minus strand), MICU3 (mitochondrial calcium uptake family member 3; plus strand) and 18 more. Cytogenetic location: 8p22-21.3.
Variant type: Duplication.
Identifiers: ClinVar variation 1377072 (VCV001377072.3).

ClinVar aggregate classification (germline): Uncertain significance (1 of 4 stars; one submission).

Conditions:
Hereditary spastic paraplegia 53. Also called: Spastic paraplegia 53, autosomal recessive. Identifiers: Orphanet 319199, MedGen C3539494, MONDO:0013962, OMIM 614898.

Submission:

Labcorp Genetics (formerly Invitae), Labcorp
Classification: Uncertain significance for Hereditary spastic paraplegia 53. Last evaluated: 2022-09-02. Review status: criteria provided, single submitter. Criteria: Invitae Variant Classification Sherloc (09022015). Collection method: clinical testing. Allele origin: germline.
Comment: A copy number gain of the genomic region encompassing the full coding sequence of the VPS37A gene has been identified. The boundaries of this event are unknown as they extend beyond the assayed region for this gene and therefore may encompass additional genes. As the precise location of this event is unknown, it may be in tandem or it may be located elsewhere in the genome. This variant has not been reported in the literature in individuals affected with VPS37A-related conditions. In summary, the available evidence is currently insufficient to determine the role of this variant in disease. Therefore, it has been classified as a Variant of Uncertain Significance.